The following is an entry in ClinVar:

ClinVar aggregate classification (germline): Pathogenic (1 of 4 stars; one submission).

Conditions:
Inborn genetic diseases. Identifiers: MedGen C0950123, MeSH D030342.

Submission:

Ambry Genetics
Classification: Pathogenic for Inborn genetic diseases. Last evaluated: 2023-08-15. Review status: criteria provided, single submitter. Criteria: Ambry Variant Classification Scheme 2023. Collection method: clinical testing. Allele origin: germline.
Comment: The c.3595_3596dupGC (p.P1200Hfs*18) alteration, located in exon 13 (coding exon 13) of the ASXL1 gene, consists of a duplication of GC at position 3595, causing a translational frameshift with a predicted alternate stop codon after 18 amino acids. This alteration occurs at the 3' terminus of the ASLX1 gene, is not expected to trigger nonsense-mediated mRNA decay, and only impacts the last 22% of the protein. However, premature stop codons are typically deleterious in nature and a significant portion of the protein is affected (Ambry internal data). This variant was not reported in population-based cohorts in the Genome Aggregation Database (gnomAD). Based on the available evidence, this alteration is classified as pathogenic.

NM_015338.6(ASXL1):c.3595_3596dup (p.Pro1200fs)

Gene: ASXL1 (ASXL transcriptional regulator 1; plus strand). Cytogenetic location: 20q11.21.
Variant type: Duplication.
Coding change: c.3595_3596dup on transcript NM_015338.6 (MANE Select); coding-DNA positions 3595 to 3596, 2 bases duplicated (GC; older notation c.3595_3596dupGC).
Protein change: p.Pro1200fs; shifts the reading frame from proline 1200.
Molecular consequence: frameshift variant.
Genome position (GRCh38, 1-based): chr20:32,436,307-32,436,308, GC duplicated. VCF-style (leftmost placement, unchanged base first): chr20-32436306-A-AGC. GRCh37 (hg19) VCF-style: chr20-31024109-A-AGC.
Other names: c.3412_3413dup, p.Pro1139fs (NM_001363734.1); c.3595_3596dupGC (NM_015338.5); short protein forms P1200fs, P1139fs.
Identifiers: ClinVar variation 2609056 (VCV002609056.2), dbSNP rs2515582691, ClinGen allele CA2582342724.